The following is an entry in ClinVar:

NM_001366385.1(CARD14):c.1463T>C (p.Val488Ala)

Gene: CARD14 (caspase recruitment domain family member 14; plus strand). Cytogenetic location: 17q25.3.
Variant type: single nucleotide variant.
Coding change: c.1463T>C on transcript NM_001366385.1 (MANE Select); coding-DNA position 1463, T replaced by C.
Protein change: p.Val488Ala; replaces valine 488 with alanine.
Molecular consequence: missense variant. On other transcripts: non-coding transcript variant (1).
Genome position (GRCh38, 1-based): chr17:80,195,297, T>C. VCF-style: chr17-80195297-T-C. GRCh37 (hg19) VCF-style: chr17-78169096-T-C.
Other names: c.1463T>C, p.Val488Ala (NM_024110.4, NM_001257970.1); c.752T>C, p.Val251Ala (NM_052819.3); short protein forms V251A, V488A.
Identifiers: ClinVar variation 858240 (VCV000858240.1), dbSNP rs2040670989, ClinGen allele CA401349130.

ClinVar aggregate classification (germline): Uncertain significance (1 of 4 stars; one submission).

Conditions:
Pityriasis rubra pilaris (PRP). Also called: Pityriasis rubra pilaris--familial type. Identifiers: Orphanet 2897, MedGen C0032027, MONDO:0100017, OMIM 173200, MONDO:0008251.
Psoriasis 2. Identifiers: MedGen C1864497, MONDO:0011269, OMIM 602723.

Submission:

Labcorp Genetics (formerly Invitae), Labcorp
Classification: Uncertain significance for Pityriasis rubra pilaris; Psoriasis susceptibility 2. Last evaluated: 2019-12-31. Review status: criteria provided, single submitter. Criteria: Invitae Variant Classification Sherloc (09022015). Collection method: clinical testing. Allele origin: germline.
Comment: This sequence change replaces valine with alanine at codon 488 of the CARD14 protein (p.Val488Ala). The valine residue is weakly conserved and there is a small physicochemical difference between valine and alanine. This variant is not present in population databases (ExAC no frequency). This variant has not been reported in the literature in individuals with CARD14-related conditions. Algorithms developed to predict the effect of missense changes on protein structure and function output the following: SIFT: "Tolerated"; PolyPhen-2: "Benign"; Align-GVGD: "Class C0". The alanine amino acid residue is found in multiple mammalian species, suggesting that this missense change does not adversely affect protein function. These predictions have not been confirmed by published functional studies and their clinical significance is uncertain. In summary, the available evidence is currently insufficient to determine the role of this variant in disease. Therefore, it has been classified as a Variant of Uncertain Significance.